The following is an entry in ClinVar:

ClinVar aggregate classification (germline): Uncertain significance (1 of 4 stars; one submission).

Conditions:
Familial cancer of breast. Also called: Hereditary breast cancer; hereditary breast carcinoma; BREAST CANCER, FAMILIAL. Identifiers: Orphanet 227535, MedGen C0346153, MONDO:0016419, OMIM 114480. Disease mechanism: loss of function.

Submission:

Labcorp Genetics (formerly Invitae), Labcorp
Classification: Uncertain significance for Familial cancer of breast. Last evaluated: 2020-08-18. Review status: criteria provided, single submitter. Criteria: Invitae Variant Classification Sherloc (09022015). Collection method: clinical testing. Allele origin: germline.
Comment: This sequence change replaces proline with leucine at codon 128 of the CHEK2 protein (p.Pro128Leu). The proline residue is moderately conserved and there is a moderate physicochemical difference between proline and leucine. The frequency data for this variant in the population databases is not available, as this variant may be reported as separate entries in the ExAC database. This variant has not been reported in the literature in individuals with CHEK2-related conditions. Algorithms developed to predict the effect of missense changes on protein structure and function are either unavailable or do not agree on the potential impact of this missense change (SIFT: "Not Available"; PolyPhen-2: "Benign"; Align-GVGD: "Not Available"). In summary, the available evidence is currently insufficient to determine the role of this variant in disease. Therefore, it has been classified as a Variant of Uncertain Significance.

NM_007194.4(CHEK2):c.382_383delinsTT (p.Pro128Leu)

Gene: CHEK2 (checkpoint kinase 2; minus strand). Cytogenetic location: 22q12.1.
Variant type: Indel.
Coding change: c.382_383delinsTT on transcript NM_007194.4 (MANE Select); coding-DNA positions 382 to 383, CC replaced by TT.
Protein change: p.Pro128Leu; replaces proline 128 with leucine.
Molecular consequence: missense variant.
Genome position (GRCh38, 1-based): chr22:28,725,304-28,725,305, GG replaced by AA on the plus strand (CC replaced by TT on the coding strand, the reverse complement: CHEK2 is on the minus strand). VCF-style: chr22-28725304-GG-AA. GRCh37 (hg19) VCF-style: chr22-29121292-GG-AA.
Other names: c.511_512delCCinsTT, p.Pro171Leu (NM_001005735.3); c.-396_-395delCCinsTT (NM_001257387.3); c.382_383delCCinsTT, p.Pro128Leu (NM_001349956.3, NM_145862.3); short protein forms P128L, P171L.
Identifiers: ClinVar variation 1002500 (VCV001002500.8), dbSNP rs2053961832, ClinGen allele CA2400252435.